The following is an entry in ClinVar:

NM_001368894.2(PAX6):c.399+5G>A

Gene: PAX6 (paired box 6; minus strand). Cytogenetic location: 11p13.
Variant type: single nucleotide variant.
Coding change: c.399+5G>A on transcript NM_001368894.2 (MANE Select); 5 bases into the intron after coding-DNA position 399, G replaced by A.
Molecular consequence: intron variant. On other transcripts: 5 prime UTR variant (3).
Genome position (GRCh38, 1-based): chr11:31,801,556, C>T on the plus strand (G>A on the coding strand, the complement: PAX6 is on the minus strand). VCF-style: chr11-31801556-C-T. GRCh37 (hg19) VCF-style: chr11-31823104-C-T.
Other names: c.198+206G>A (NM_001368921.2, NM_001368923.2, NM_001368926.2 and 4 more transcripts); c.399+5G>A (NM_001258462.3, NM_001310158.2, NM_001258463.2 and 6 more transcripts); c.474+5G>A (NM_001368919.2, NM_001368918.2); c.357+5G>A (NM_001368890.2, NM_001368888.2, NM_001368915.2 and 10 more transcripts); c.600+5G>A (NM_001368910.2); c.-52+5G>A (NM_001368909.2, NM_001368904.2, NM_001368906.2 and 8 more transcripts); c.402+5G>A (NM_001368911.2); c.156+206G>A (NM_001368928.2); and 2 more.
Identifiers: ClinVar variation 800429 (VCV000800429.6), dbSNP rs1592542002, ClinGen allele CA915948058.

ClinVar aggregate classification (germline): Pathogenic/Likely pathogenic. Review status: criteria provided, multiple submitters, no conflicts (2 of 4 stars). 3 submissions from 3 submitters: Pathogenic (1); Likely pathogenic (1). 1 of the submissions does not count toward it. Last evaluated 2026-08-28.

Conditions:
Sporadic aniridia.
Aniridia 1 (AN1). Identifiers: Orphanet 250923, MedGen C0344542, MONDO:0024507, OMIM 106210.

Submissions (3):

Genetics Laboratory, Great Ormond Street Hospital NHS Foundation Trust, North Thames Genomic Laboratory Hub
Classification: Pathogenic for Sporadic aniridia. Last evaluated: 2026-08-28. Review status: criteria provided, single submitter. Criteria: ACGS Best Practice Guidelines for Variant Classification in Rare Disease 2024 v1.2. Collection method: clinical testing. Allele origin: germline. Affected: yes.
Comment: PS4_moderate, PM2_moderate, PVS1_strong, PS1_moderate

3billion
Classification: Likely pathogenic for Aniridia 1. Last evaluated: 2023-12-20. Review status: criteria provided, single submitter. Criteria: ACMG Guidelines, 2015. Collection method: clinical testing. Allele origin: germline. Affected: yes.
Comment: The variant is not observed in the gnomAD v2.1.1 dataset. Predicted Consequence/Location: Intron variant In silico tools predict the variant to alter splicing and produce an abnormal transcript [SpliceAI: 0.84 (>=0.2, moderate evidence for spliceogenicity)]. The variant has been observed in at least two similarly affected unrelated individuals (PMID: 18483559). The variant has been reported to be associated with PAX6 related disorder (ClinVar ID: VCV000800429 /PMID: 18483559). Therefore, this variant is classified as Likely pathogenic according to the recommendation of ACMG/AMP guideline.

Wessex Regional Genetics Laboratory, Salisbury District Hospital
Classification: Likely pathogenic for Aniridia 1. Last evaluated: 2019-08-15. Review status: no assertion criteria provided. Criteria: ACMG Guidelines, 2015. Collection method: clinical testing. Allele origin: unknown. Inheritance: Autosomal dominant inheritance. Affected: yes. Not counted in ClinVar's aggregate classification.

Literature cited by the submitters: PubMed 18483559 (cited by 3billion).